The following is an entry in ClinVar:

ClinVar aggregate classification (germline): Likely pathogenic (1 of 4 stars; one submission).

gnomAD v4.1: 1 of 1,613,952 alleles (0.000062%); no homozygotes.

Submission:

Quest Diagnostics Nichols Institute San Juan Capistrano
Classification: Likely pathogenic. Last evaluated: 2025-07-04. Review status: criteria provided, single submitter. Criteria: Quest Diagnostics criteria. Collection method: clinical testing. Allele origin: unknown.
Comment: The VWF c.2968G>T (p.Glu990*) variant is predicted to cause the premature termination of VWF protein synthesis. This variant has not been reported in individuals with VWF-related conditions in the published literature. This variant has not been reported in large, multi-ethnic general populations (Genome Aggregation Database). Based on the available information, this variant is classified as likely pathogenic.

NM_000552.5(VWF):c.2968G>T (p.Glu990Ter)

Gene: VWF (von Willebrand factor; minus strand). Cytogenetic location: 12p13.31.
Variant type: single nucleotide variant.
Coding change: c.2968G>T on transcript NM_000552.5 (MANE Select); coding-DNA position 2968, G replaced by T.
Protein change: p.Glu990Ter; replaces glutamic acid 990 with a stop codon.
Molecular consequence: nonsense.
Genome position (GRCh38, 1-based): chr12:6,026,046, C>A on the plus strand (G>T on the coding strand, the complement: VWF is on the minus strand). VCF-style: chr12-6026046-C-A. GRCh37 (hg19) VCF-style: chr12-6135212-C-A.
Other names: short protein forms E990*.
Identifiers: ClinVar variation 4533002 (VCV004533002.1).